The following is an entry in ClinVar:

NM_000548.5(TSC2):c.3396G>C (p.Ser1132=)

Gene: TSC2 (TSC complex subunit 2; plus strand). Cytogenetic location: 16p13.3.
Variant type: single nucleotide variant.
Coding change: c.3396G>C on transcript NM_000548.5 (MANE Select); coding-DNA position 3396, G replaced by C.
Protein change: p.Ser1132=; no amino-acid change (serine 1132 retained).
Molecular consequence: synonymous variant. On other transcripts: non-coding transcript variant (5).
Genome position (GRCh38, 1-based): chr16:2,079,668, G>C. VCF-style: chr16-2079668-G-C. GRCh37 (hg19) VCF-style: chr16-2129669-G-C.
Other names: c.3264G>C, p.Ser1088= (NM_001077183.3, NM_001370404.1, NM_001406665.1); c.3396G>C, p.Ser1132= (NM_001114382.3); c.3156G>C, p.Ser1052= (NM_001318827.2); c.3120G>C, p.Ser1040= (NM_001318829.2); c.2664G>C, p.Ser888= (NM_001318831.2, NM_001406687.1, NM_001406688.1); c.3297G>C, p.Ser1099= (NM_001318832.2); c.3267G>C, p.Ser1089= (NM_001363528.2, NM_001370405.1, NM_021055.3); c.3393G>C, p.Ser1131= (NM_001406663.1, NM_001406664.1); and 18 more.
Identifiers: ClinVar variation 4764431 (VCV004764431.1).

ClinVar aggregate classification (germline): Uncertain significance (1 of 4 stars; one submission).

Conditions:
Tuberous sclerosis 2 (TSC2). Identifiers: Orphanet 805, MedGen C1860707, MONDO:0013199, OMIM 613254.

Submission:

Labcorp Genetics (formerly Invitae), Labcorp
Classification: Uncertain significance for Tuberous sclerosis 2. Last evaluated: 2025-09-21. Review status: criteria provided, single submitter. Criteria: Invitae Variant Classification Sherloc (09022015). Collection method: clinical testing. Allele origin: germline.
Comment: This sequence change affects codon 1132 of the TSC2 mRNA. It is a 'silent' change, meaning that it does not change the encoded amino acid sequence of the TSC2 protein. It affects a nucleotide within the consensus splice site. This variant is not present in population databases (gnomAD no frequency). This variant has not been reported in the literature in individuals affected with TSC2-related conditions. Algorithms developed to predict the effect of sequence changes on RNA splicing suggest that this variant is not likely to affect RNA splicing. In summary, the available evidence is currently insufficient to determine the role of this variant in disease. Therefore, it has been classified as a Variant of Uncertain Significance.